The following is an entry in ClinVar:

NM_000169.3(GLA):c.874G>A (p.Ala292Thr)

Genes: GLA (galactosidase alpha; minus strand), RPL36A-HNRNPH2 (RPL36A-HNRNPH2 readthrough; plus strand). Cytogenetic location: Xq22.1.
Variant type: single nucleotide variant.
Coding change: c.874G>A on transcript NM_000169.3 (MANE Select); coding-DNA position 874, G replaced by A.
Protein change: p.Ala292Thr; replaces alanine 292 with threonine.
Molecular consequence: missense variant. On other transcripts: non-coding transcript variant (3), intron variant (2).
Genome position (GRCh38, 1-based): chrX:101,398,495, C>T on the plus strand (G>A on the coding strand, the complement: GLA is on the minus strand). VCF-style: chrX-101398495-C-T. GRCh37 (hg19) VCF-style: chrX-100653483-C-T.
Other names: c.997G>A, p.Ala333Thr (NM_001406747.1); c.874G>A, p.Ala292Thr (NM_001406748.1); c.300+3038C>T (NM_001199973.2); c.177+6673C>T (NM_001199974.2); short protein forms A292T, A333T.
Identifiers: ClinVar variation 1410639 (VCV001410639.11), dbSNP rs111812846, ClinGen allele CA333093204.

ClinVar aggregate classification (germline): Conflicting classifications of pathogenicity. Review status: criteria provided, conflicting classifications (1 of 4 stars). 3 submissions from 3 submitters: Likely pathogenic (1); Uncertain significance (2). Last evaluated 2026-09-08.

Conditions:
Fabry disease. Also called: Fabry's disease; ANDERSON-FABRY DISEASE; ALPHA-GALACTOSIDASE A DEFICIENCY; CERAMIDE TRIHEXOSIDASE DEFICIENCY; Ceramide trihexosidosis; Angiokeratoma corporis diffusum. Identifiers: Orphanet 324, MedGen C0002986, MONDO:0010526, OMIM 301500, HP:0001071. Disease mechanism: Fabry disease is due to inactivating mutations in the X-linked GLA gene resulting in deficiency of the enzyme Alpha Galactosidase-A., loss of function.

Submissions (3):

Genomenon, Inc
Classification: Likely pathogenic for Fabry disease. Last evaluated: 2026-09-08. Review status: criteria provided, single submitter. Criteria: Genomenon Sequence Variant Interpretation Standards - Updated. Collection method: curation. Allele origin: germline. Affected: yes.
Comment: GLA p.Ala292Thr (c.874G>A) is a missense variant that changes the amino acid at codon 292 from Alanine to Threonine. This variant has been observed in at least one proband with clinical features consistent with Fabry disease (PMID:29950951;25955246;33022387;27733175;28377888;26333625). At least one functional study has demonstrated a substantial alteration in protein function relative to the wild-type (PMID:27657681). It is absent or not present at a significant frequency in gnomAD. In silico models predict that this variant is possibly or probably damaging. In conclusion, we classify GLA p.Ala292Thr (c.874G>A) as a likely pathogenic variant.

3billion
Classification: Uncertain significance for Fabry disease. Last evaluated: 2023-09-10. Review status: criteria provided, single submitter. Criteria: ACMG Guidelines, 2015. Collection method: clinical testing. Allele origin: germline. Affected: yes.
Comment: The variant is not observed in the gnomAD v2.1.1 dataset. Predicted Consequence/Location: Missense variant In silico tool predictions suggest damaging effect of the variant on gene or gene product [REVEL: 0.93 (>=0.6, sensitivity 0.68 and specificity 0.92); 3Cnet: 0.99 (>=0.6, sensitivity 0.72 and precision 0.9)]. Different missense changes at the same codon (p.Ala292Pro, p.Ala292Val) have been reported to be associated with GLA related disorder (ClinVar ID: VCV000633247 /PMID: 16215932, 22551898). However the evidence of pathogenicity is insufficient at this time. Therefore, this variant is classified as VUS according to the recommendation of ACMG/AMP guideline.

Labcorp Genetics (formerly Invitae), Labcorp
Classification: Uncertain significance for Fabry disease. Last evaluated: 2022-11-16. Review status: criteria provided, single submitter. Criteria: Invitae Variant Classification Sherloc (09022015). Collection method: clinical testing. Allele origin: germline.
Comment: In summary, the available evidence is currently insufficient to determine the role of this variant in disease. Therefore, it has been classified as a Variant of Uncertain Significance. This variant disrupts the p.Ala292 amino acid residue in GLA. Other variant(s) that disrupt this residue have been observed in individuals with GLA-related conditions (PMID: 16215932, 22551898), which suggests that this may be a clinically significant amino acid residue. Algorithms developed to predict the effect of missense changes on protein structure and function (SIFT, PolyPhen-2, Align-GVGD) all suggest that this variant is likely to be disruptive. ClinVar contains an entry for this variant (Variation ID: 1410639). This variant has not been reported in the literature in individuals affected with GLA-related conditions. This variant is not present in population databases (gnomAD no frequency). This sequence change replaces alanine, which is neutral and non-polar, with threonine, which is neutral and polar, at codon 292 of the GLA protein (p.Ala292Thr).

Literature cited by the submitters: PubMed 29950951 (cited by Genomenon, Inc); PubMed 25955246 (cited by Genomenon, Inc); PubMed 33022387 (cited by Genomenon, Inc); PubMed 27733175 (cited by Genomenon, Inc); PubMed 28377888 (cited by Genomenon, Inc); PubMed 26333625 (cited by Genomenon, Inc); PubMed 27657681 (cited by Genomenon, Inc); PubMed 16215932 (cited by 3billion and Labcorp Genetics (formerly Invitae), Labcorp); PubMed 22551898 (cited by Labcorp Genetics (formerly Invitae), Labcorp).